The following is an entry in ClinVar:

NM_001079866.2(BCS1L):c.548G>A (p.Arg183His)

Gene: BCS1L (BCS1 ubiquinol-cytochrome c reductase complex chaperone; plus strand). Cytogenetic location: 2q35.
Variant type: single nucleotide variant.
Coding change: c.548G>A on transcript NM_001079866.2 (MANE Select); coding-DNA position 548, G replaced by A.
Protein change: p.Arg183His; replaces arginine 183 with histidine.
Molecular consequence: missense variant. On other transcripts: non-coding transcript variant (1).
Genome position (GRCh38, 1-based): chr2:218,661,846, G>A. VCF-style: chr2-218661846-G-A. GRCh37 (hg19) VCF-style: chr2-219526569-G-A.
Other names: c.548G>A, p.Arg183His (NM_001257342.2, NM_001257343.2, NM_001257344.2 and 10 more transcripts); c.188G>A, p.Arg63His (NM_001318836.2, NM_001371451.1); c.47G>A, p.Arg16His (NM_001371452.1, NM_001371453.1, NM_001371454.1 and 3 more transcripts); short protein forms R183H, R63H, R16H.
Identifiers: ClinVar variation 6170 (VCV000006170.12), dbSNP rs121908577, ClinGen allele CA118021.
Genomic context (GRCh38, chr2:218,661,846, plus strand): 5'-AAGGGAAGACCGTGATGTACACAGCTGTGGGCTCTGAATGGCGTCCCTTTGGCTATCCAC[G>A]CCGCCGGCGACCACTGAATTCTGTGGTTCTACAACAGGGTCTGGCTGACCGAATTGTCAG-3'
Protein context (NP_001073335.1, residues 173-193): GSEWRPFGYP[Arg183His]RRRPLNSVVL

ClinVar aggregate classification (germline): Pathogenic. Review status: criteria provided, multiple submitters, no conflicts (2 of 4 stars). 7 submissions from 7 submitters: Pathogenic (6). 1 of the submissions does not count toward it. Last evaluated 2025-11-09.

Conditions:
Leigh syndrome (NULS). Also called: Leigh's necrotizing encephalopathy; Leigh's disease; Leigh Disease; Subacute necrotizing encephalopathy; Necrotizing encephalopathy infantile subacute of Leigh; Leigh Syndrome (mtDNA deletion). Identifiers: Orphanet 506, MedGen C2931891, MONDO:0009723, OMIM 256000.
GRACILE syndrome (FLNMS). Also called: FELLMAN SYNDROME; FINNISH LETHAL NEONATAL METABOLIC SYNDROME. Identifiers: Orphanet 53693, MedGen C1864002, MONDO:0011308, OMIM 603358.
Mitochondrial complex III deficiency nuclear type 1. Identifiers: Orphanet 254902, MedGen C3541471, MONDO:0007415, OMIM 124000.
Pili torti-deafness syndrome (BJS). Also called: Bjornstad syndrome; PILI TORTI AND NERVE DEAFNESS. Identifiers: Orphanet 123, MedGen C0266006, MONDO:0009872, OMIM 262000.

Allele frequency attached by ClinVar (database versions not stated): gnomAD 0.00001; gnomAD exomes 0.00001 and 0.00002; TOPMed 0.00001; ExAC 0.00002.

Submissions (7):

Labcorp Genetics (formerly Invitae), Labcorp
Classification: Pathogenic. Last evaluated: 2025-11-09. Review status: criteria provided, single submitter. Criteria: Invitae Variant Classification Sherloc (09022015). Collection method: clinical testing. Allele origin: germline.
Comment: This sequence change replaces arginine, which is basic and polar, with histidine, which is basic and polar, at codon 183 of the BCS1L protein (p.Arg183His). This variant is present in population databases (rs121908577, gnomAD 0.007%). This missense change has been observed in individual(s) with Björnstad syndrome (PMID: 17314340). It has also been observed to segregate with disease in related individuals. ClinVar contains an entry for this variant (Variation ID: 6170). Invitae Evidence Modeling of protein sequence and biophysical properties (such as structural, functional, and spatial information, amino acid conservation, physicochemical variation, residue mobility, and thermodynamic stability) indicates that this missense variant is expected to disrupt BCS1L protein function with a positive predictive value of 95%. For these reasons, this variant has been classified as Pathogenic.

Natera, Inc.
Classification: Pathogenic for GRACILE syndrome. Last evaluated: 2024-12-24. Review status: criteria provided, single submitter. Criteria: Natera Variant Classification Schema (03/2026). Collection method: clinical testing. Allele origin: germline.
Comment: The c.548G>A variant in BCS1L is a missense variant predicted to cause substitution of arginine to histidine at amino acid 183. This variant is rare in the general population with a frequency below the threshold expected for the associated phenotype(s). This variant has been observed in one or more individuals affected with the associated recessive disease, as either homozygous or compound heterozygous with a second variant (PMID: 17314340, 33176815, 34662929). Additionally, this variant has been observed to segregate in affected family members (PMID: 17314340). A different variant at the same position has been determined to be Pathogenic or Likely Pathogenic. Computational prediction algorithms indicate this variant is likely to affect gene or protein function. Given the available evidence, this variant is classified as Pathogenic.

Baylor Genetics
Classification: Pathogenic for Pili torti-deafness syndrome. Last evaluated: 2023-09-24. Review status: criteria provided, single submitter. Criteria: ACMG Guidelines, 2015. Collection method: clinical testing. Allele origin: unknown.

Laboratorio de Genetica e Diagnostico Molecular, Hospital Israelita Albert Einstein
Classification: Pathogenic for Mitochondrial complex III deficiency nuclear type 1. Last evaluated: 2022-01-19. Review status: criteria provided, single submitter. Criteria: ACMG Guidelines, 2015. Collection method: clinical testing. Allele origin: germline. Affected: yes.
Comment: ACMG classification criteria: PS3 supporting, PS4 strong, PM2 moderate, PM3 moderate, PP1 moderate, PP3 supporting

Fulgent Genetics
Classification: Pathogenic for Mitochondrial complex III deficiency nuclear type 1; Pili torti-deafness syndrome; GRACILE syndrome. Last evaluated: 2021-10-25. Review status: criteria provided, single submitter. Criteria: ACMG Guidelines, 2015. Collection method: clinical testing. Allele origin: unknown.

Women's Health and Genetics/Laboratory Corporation of America, LabCorp
Classification: Pathogenic for Leigh syndrome. Last evaluated: 2018-02-01. Review status: criteria provided, single submitter. Criteria: LabCorp Variant Classification Summary - May 2015. Collection method: clinical testing. Allele origin: germline.
Comment: Variant summary: BCS1L c.548G>A (p.Arg183His) results in a non-conservative amino acid change located in the N-terminal BCS1 domain of the encoded protein sequence. Five of five in-silico tools predict a damaging effect of the variant on protein function. The variant allele was found at a frequency of 1.6e-05 in 246466 control chromosomes. This frequency is not higher than expected for a pathogenic variant in BCS1L causing Bjornstad syndrome (1.6e-05 vs 0.00047), allowing no conclusion about variant significance. The c.548G>A variant has been reported in the literature in a consanguineous family with numerous affected individuals, all of whom were homozygous for the variant, inherited from heterozygous parents (Hinson_2007). These data indicate that the variant is very likely to be associated with disease. The same publication reports experimental complementation assays in yeast that showed a significant effect on protein function, where yeast growth rate was reduced to <10% of normal. No clinical diagnostic laboratories have submitted clinical-significance assessments for this variant to ClinVar after 2014. Additionally, a variant affecting the same codon (c.547C>T, p.Arg183Cys) is classified as pathogenic/likely pathogenic by multiple reputable clinical labs via ClinVar, supporting the functional impact of this position. Based on the evidence outlined above, the variant was classified as pathogenic.

OMIM
Classification: Pathogenic for BJORNSTAD SYNDROME. Last evaluated: 2007-02-22. Review status: no assertion criteria provided. Collection method: literature only. Allele origin: germline. Not counted in ClinVar's aggregate classification.

Literature cited by the submitters: PubMed 17314340 (cited by 4 submitters); PubMed 33176815 (cited by Natera, Inc.); PubMed 34662929 (cited by Natera, Inc.); PubMed 25914718 (cited by Women's Health and Genetics/Laboratory Corporation of America, LabCorp); PubMed 19389488 (cited by Women's Health and Genetics/Laboratory Corporation of America, LabCorp); PubMed 24172246 (cited by Women's Health and Genetics/Laboratory Corporation of America, LabCorp); PubMed 25895478 (cited by Women's Health and Genetics/Laboratory Corporation of America, LabCorp); PubMed 9545407 (cited by OMIM).